The following is an entry in ClinVar:

ClinVar aggregate classification (germline): Uncertain significance. Review status: criteria provided, multiple submitters, no conflicts (2 of 4 stars). 11 submissions from 11 submitters: Uncertain significance (10). 1 of the submissions does not count toward it. Last evaluated 2025-09-26.

Conditions:
Aplastic anemia. Identifiers: Orphanet 182040, Orphanet 88, MedGen C0002874, MONDO:0015909, OMIM 609135, HP:0001915.
Microcephaly, normal intelligence and immunodeficiency (NBS). Also called: Immunodeficiency, microcephaly with normal intelligence; SEEMANOVA SYNDROME II; Nijmegen breakage syndrome; Microcephaly with normal intelligence immunodeficiency and lymphoreticular malignancies; Nonsyndromal microcephaly autosomal recessive with normal intelligence; Seemanova syndrome 2. Identifiers: Orphanet 647, MedGen C0398791, MONDO:0009623, OMIM 251260.
Acute lymphoid leukemia (ALL). Also called: Acute lymphoblastic leukemia; Acute lymphocytic leukemia; Leukemia, acute lymphoblastic, somatic; Lymphoblastic leukemia. Identifiers: Orphanet 513, MedGen C0023449, MONDO:0004967, OMIM 613065, HP:0006721.
Hereditary cancer-predisposing syndrome. Also called: Neoplastic Syndromes, Hereditary; Hereditary Cancer Syndrome; Hereditary neoplastic syndrome; Tumor predisposition. Identifiers: Orphanet 140162, MedGen C0027672, MeSH D009386, MONDO:0015356.
Hereditary breast ovarian cancer syndrome. Also called: Hereditary breast and ovarian cancer syndrome; Hereditary breast and/or ovarian cancer syndrome; BRCA1- and BRCA2-Associated Hereditary Breast and Ovarian Cancer; Hereditary breast and ovarian cancer; Breast and ovarian cancer; Hereditary breast and ovarian cancer syndrome (HBOC). Identifiers: Orphanet 145, MedGen C0677776, MeSH D061325, MONDO:0003582. Disease mechanism: loss of function.

Allele frequency attached by ClinVar (database versions not stated): ExAC 0.00001; TOPMed 0.00001; gnomAD 0.00003; gnomAD exomes 0.00004 and 0.00005.
gnomAD v4.1: 80 of 1,613,910 alleles (0.005%); highest among the groups gnomAD compares: Non-Finnish European, 0.0066%; no homozygotes.

Submissions (11):

Ambry Genetics
Classification: Uncertain significance for Hereditary cancer-predisposing syndrome. Last evaluated: 2025-09-26. Review status: criteria provided, single submitter. Criteria: Ambry Variant Classification Scheme 2023. Collection method: clinical testing. Allele origin: germline.

Quest Diagnostics Nichols Institute San Juan Capistrano
Classification: Uncertain significance. Last evaluated: 2024-11-26. Review status: criteria provided, single submitter. Criteria: Quest Diagnostics criteria. Collection method: clinical testing. Allele origin: unknown.
Comment: The NBN c.284A>G (p.Asp95Gly) variant has been reported in the published literature in individuals with breast cancer (PMIDs: 29522266 (2018), 33471991 (2021), 35884425 (2022), see also LOVD), in a cohort of individuals with unspecified cancer (PMID: 36346689 (2023)), in a rectum cancer tumor sample (PMID: 29338072 (2018)), and in reportedly healthy individuals (PMID: 33471991 (2021), see also LOVD). The frequency of this variant in the general population, 0.000077 (10/129132 chromosomes (Genome Aggregation Database)), is uninformative in the assessment of its pathogenicity. Analysis of this variant using bioinformatics tools for the prediction of the effect of amino acid changes on protein structure and function yielded conflicting predictions that this variant is benign or damaging. Based on the available information, we are unable to determine the clinical significance of this variant.

Fulgent Genetics
Classification: Uncertain significance for Microcephaly, normal intelligence and immunodeficiency; Aplastic anemia; Acute lymphoid leukemia. Last evaluated: 2024-03-31. Review status: criteria provided, single submitter. Criteria: ACMG Guidelines, 2015. Collection method: clinical testing. Allele origin: germline.

Baylor Genetics
Classification: Uncertain significance for Aplastic anemia. Last evaluated: 2024-03-28. Review status: criteria provided, single submitter. Criteria: ACMG Guidelines, 2015. Collection method: clinical testing. Allele origin: unknown.

St. Jude Molecular Pathology, St. Jude Children's Research Hospital
Classification: Uncertain significance for Microcephaly, normal intelligence and immunodeficiency. Last evaluated: 2023-05-23. Review status: criteria provided, single submitter. Criteria: St. Jude Assertion Criteria 2020. Collection method: clinical testing. Allele origin: germline.
Comment: The NBN c.284A>G (p.Asp95Gly) missense change has a maximum subpopulation frequency of 0.0077% in gnomAD v2.1.1. The in silico tool REVEL is inconclusive about a pathogenic or benign effect of this variant on protein function, and to our knowledge functional studies have not been performed. This variant has been reported in a large case-control study of breast cancer in 17 of 60,466 cases and 5 of 53,461 controls (PMID: 33471991). To our knowledge, this variant has not been reported in individuals with Nijmegan breakage syndrome. In summary, the evidence currently available is insufficient to determine the clinical significance of this variant. It has therefore been classified as of uncertain significance.

GeneDx
Classification: Uncertain significance. Last evaluated: 2023-01-18. Review status: criteria provided, single submitter. Criteria: GeneDx Variant Classification Process June 2021. Collection method: clinical testing. Allele origin: germline. Affected: yes.
Comment: In silico analysis supports that this missense variant has a deleterious effect on protein structure/function; In silico analysis is inconclusive as to whether the variant alters gene splicing. In the absence of RNA/functional studies, the actual effect of this sequence change is unknown.; This variant is associated with the following publications: (PMID: 26315354, 29522266, 24894818)

Labcorp Genetics (formerly Invitae), Labcorp
Classification: Uncertain significance for Microcephaly, normal intelligence and immunodeficiency. Last evaluated: 2022-09-06. Review status: criteria provided, single submitter. Criteria: Invitae Variant Classification Sherloc (09022015). Collection method: clinical testing. Allele origin: germline.
Comment: This sequence change replaces aspartic acid, which is acidic and polar, with glycine, which is neutral and non-polar, at codon 95 of the NBN protein (p.Asp95Gly). This variant is present in population databases (rs545276922, gnomAD 0.007%). This variant has not been reported in the literature in individuals affected with NBN-related conditions. ClinVar contains an entry for this variant (Variation ID: 141816). Algorithms developed to predict the effect of missense changes on protein structure and function are either unavailable or do not agree on the potential impact of this missense change (SIFT: "Tolerated"; PolyPhen-2: "Probably Damaging"; Align-GVGD: "Class C0"). Studies have shown that this missense change is associated with altered splicing resulting in unknown protein product impact (Invitae). In summary, the available evidence is currently insufficient to determine the role of this variant in disease. Therefore, it has been classified as a Variant of Uncertain Significance.

Genome-Nilou Lab
Classification: Uncertain significance for Microcephaly, normal intelligence and immunodeficiency. Last evaluated: 2021-11-07. Review status: criteria provided, single submitter. Criteria: ACMG Guidelines, 2015. Collection method: clinical testing. Allele origin: germline. Affected: no.

Department of Pathology and Laboratory Medicine, Sinai Health System
Classification: Uncertain significance for Hereditary breast ovarian cancer syndrome. Last evaluated: 2020-01-09. Review status: criteria provided, single submitter. Criteria: ACMG Guidelines, 2015. Collection method: clinical testing. Allele origin: germline. Affected: yes.

Women's Health and Genetics/Laboratory Corporation of America, LabCorp
Classification: Uncertain significance. Last evaluated: 2019-01-14. Review status: criteria provided, single submitter. Criteria: LabCorp Variant Classification Summary - May 2015. Collection method: clinical testing. Allele origin: germline.
Comment: Variant summary: NBN c.284A>G (p.Asp95Gly) results in a non-conservative amino acid change located in the Forkhead-associated (FHA) domain of the encoded protein sequence. Five of five in-silico tools predict a damaging effect of the variant on protein function. The variant allele was found at a frequency of 3.6e-05 in 277122 control chromosomes. This frequency is not significantly higher than expected for a pathogenic variant in NBN causing Nijmegen Breakage Syndrome (3.6e-05 vs 0.0025), allowing no conclusion about variant significance. c.284A>G has been reported in the literature in individuals affected with breast cancer (Hauke_2018). These report(s) do not provide unequivocal conclusions about association of the variant with Nijmegen Breakage Syndrome. To our knowledge, no experimental evidence demonstrating an impact on protein function has been reported. Four clinical diagnostic laboratories have submitted clinical-significance assessments for this variant to ClinVar after 2014 without evidence for independent evaluation. All laboratories classified the variant as uncertain significance. Based on the evidence outlined above, the variant was classified as uncertain significance.

Natera, Inc.
Classification: Uncertain significance for Nijmegen breakage syndrome. Last evaluated: 2020-09-16. Review status: no assertion criteria provided. Collection method: clinical testing. Allele origin: germline. Not counted in ClinVar's aggregate classification.

Literature cited by the submitters: PubMed 33471991 (cited by Quest Diagnostics Nichols Institute San Juan Capistrano); PubMed 29522266 (cited by Quest Diagnostics Nichols Institute San Juan Capistrano and Department of Pathology and Laboratory Medicine, Sinai Health System); PubMed 36346689 (cited by Quest Diagnostics Nichols Institute San Juan Capistrano); PubMed 35884425 (cited by Quest Diagnostics Nichols Institute San Juan Capistrano); PubMed 29338072 (cited by Quest Diagnostics Nichols Institute San Juan Capistrano).

NM_002485.5(NBN):c.284A>G (p.Asp95Gly)

Gene: NBN (nibrin; minus strand). Cytogenetic location: 8q21.3.
Variant type: single nucleotide variant.
Coding change: c.284A>G on transcript NM_002485.5 (MANE Select); coding-DNA position 284, A replaced by G.
Protein change: p.Asp95Gly; replaces aspartic acid 95 with glycine.
Molecular consequence: missense variant.
Genome position (GRCh38, 1-based): chr8:89,981,411, T>C on the plus strand (A>G on the coding strand, the complement: NBN is on the minus strand). VCF-style: chr8-89981411-T-C. GRCh37 (hg19) VCF-style: chr8-90993639-T-C.
Other names: c.38A>G, p.Asp13Gly (NM_001024688.3); short protein forms D95G, D13G.
Identifiers: ClinVar variation 141816 (VCV000141816.27), dbSNP rs545276922, ClinGen allele CA166516.